The following is an entry in ClinVar:

ClinVar aggregate classification (germline): Likely benign (0 of 4 stars; one submission).

Conditions:
SFTPA1-related disorder. Also called: SFTPA1-related condition.

Allele frequency attached by ClinVar (database versions not stated): gnomAD exomes 0.00002; ESP Exome Variant Server 0.00008.
gnomAD v4.1: 14 of 1,613,940 alleles (0.00087%); highest among the groups gnomAD compares: Non-Finnish European, 0.0012%; no homozygotes.

Submission:

PreventionGenetics, part of Exact Sciences
Classification: Likely benign for SFTPA1-related condition. Last evaluated: 2021-04-12. Review status: no assertion criteria provided. Collection method: clinical testing. Allele origin: germline.
Comment: This variant is classified as likely benign based on ACMG/AMP sequence variant interpretation guidelines (Richards et al. 2015 PMID: 25741868, with internal and published modifications).

NM_005411.5(SFTPA1):c.371-6T>C

Gene: SFTPA1 (surfactant protein A1; plus strand). Cytogenetic location: 10q22.3.
Variant type: single nucleotide variant.
Coding change: c.371-6T>C on transcript NM_005411.5 (MANE Select); 6 bases into the intron before coding-DNA position 371, T replaced by C.
Molecular consequence: intron variant.
Genome position (GRCh38, 1-based): chr10:79,613,731, T>C. VCF-style: chr10-79613731-T-C. GRCh37 (hg19) VCF-style: chr10-81373487-T-C.
Other names: c.224-6T>C (NM_001164646.2); c.371-6T>C (NM_001164644.2, NM_001164647.1); c.269-6T>C (NM_001164645.2); c.416-6T>C (NM_001093770.3).
Identifiers: ClinVar variation 3030727 (VCV003030727.2), dbSNP rs376742035, ClinGen allele CA210257291.